The following is an entry in ClinVar:

ClinVar aggregate classification (germline): Uncertain significance. Review status: criteria provided, multiple submitters, no conflicts (2 of 4 stars). 3 submissions from 3 submitters: Uncertain significance (3). Last evaluated 2026-03-03.

Conditions:
WDPCP-related disorder. Also called: WDPCP-related condition.
Heart defect - tongue hamartoma - polysyndactyly syndrome. Also called: Congenital heart defects, hamartomas of tongue, and polysyndactyly. Identifiers: Orphanet 1338, MedGen C1857587, MONDO:0009008, OMIM 217085.
Bardet-Biedl syndrome 15 (BBS15). Identifiers: Orphanet 110, MedGen C3150127, MONDO:0014443, OMIM 615992.

Allele frequency attached by ClinVar (database versions not stated): gnomAD exomes below 0.00001; ExAC 0.00001; gnomAD 0.00002; TOPMed 0.00002; ESP Exome Variant Server 0.00008.
gnomAD v4.1: 5 of 1,613,906 alleles (0.00031%); highest among the groups gnomAD compares: Non-Finnish European, 0.00034%; no homozygotes.

Submissions (3):

PreventionGenetics, part of Exact Sciences
Classification: Uncertain significance for WDPCP-related condition. Last evaluated: 2026-03-03. Review status: criteria provided, single submitter. Criteria: ACMG Guidelines, 2015. Collection method: clinical testing. Allele origin: germline.
Comment: The WDPCP c.989C>T variant is predicted to result in the amino acid substitution p.Ser330Leu. To our knowledge, this variant has not been reported in the literature. This variant is reported in 0.011% of alleles in individuals of African descent in gnomAD. At this time, the clinical significance of this variant is uncertain due to the absence of conclusive functional and genetic evidence.

Fulgent Genetics
Classification: Uncertain significance for Heart defect - tongue hamartoma - polysyndactyly syndrome; Bardet-Biedl syndrome 15. Last evaluated: 2024-05-27. Review status: criteria provided, single submitter. Criteria: ACMG Guidelines, 2015. Collection method: clinical testing. Allele origin: germline.

Eurofins Ntd Llc (ga)
Classification: Uncertain significance. Last evaluated: 2015-01-21. Review status: criteria provided, single submitter. Criteria: EGL Classification Definitions 2015. Collection method: clinical testing. Allele origin: germline. Observed: 1 variant allele, 1 heterozygote.

NM_015910.7(WDPCP):c.989C>T (p.Ser330Leu)

Gene: WDPCP (WD repeat containing planar cell polarity effector; minus strand). Cytogenetic location: 2p15.
Variant type: single nucleotide variant.
Coding change: c.989C>T on transcript NM_015910.7 (MANE Select); coding-DNA position 989, C replaced by T.
Protein change: p.Ser330Leu; replaces serine 330 with leucine.
Molecular consequence: missense variant. On other transcripts: non-coding transcript variant (3).
Genome position (GRCh38, 1-based): chr2:63,404,494, G>A on the plus strand (C>T on the coding strand, the complement: WDPCP is on the minus strand). VCF-style: chr2-63404494-G-A. GRCh37 (hg19) VCF-style: chr2-63631629-G-A.
Other names: c.512C>T, p.Ser171Leu (NM_001042692.3); c.917C>T, p.Ser306Leu (NM_001354044.2); c.989C>T, p.Ser330Leu (NM_001354045.2); c.989C>T (NM_015910.5); short protein forms S330L, S171L, S306L.
Identifiers: ClinVar variation 193722 (VCV000193722.8), dbSNP rs374189367, ClinGen allele CA239333.